The following is an entry in ClinVar:

NM_001122681.2(SH3BP2):c.587A>G (p.Asp196Gly)

Gene: SH3BP2 (SH3 domain binding protein 2; plus strand). Cytogenetic location: 4p16.3.
Variant type: single nucleotide variant.
Coding change: c.587A>G on transcript NM_001122681.2 (MANE Select); coding-DNA position 587, A replaced by G.
Protein change: p.Asp196Gly; replaces aspartic acid 196 with glycine.
Molecular consequence: missense variant.
Genome position (GRCh38, 1-based): chr4:2,829,493, A>G. VCF-style: chr4-2829493-A-G. GRCh37 (hg19) VCF-style: chr4-2831220-A-G.
Other names: c.671A>G, p.Asp224Gly (NM_001145855.2); c.758A>G, p.Asp253Gly (NM_001145856.2); c.587A>G, p.Asp196Gly (NM_003023.4); short protein forms D224G, D253G, D196G.
Identifiers: ClinVar variation 1448510 (VCV001448510.8), dbSNP rs2108738351, ClinGen allele CA356055362.
Genomic context (GRCh38, chr4:2,829,493, plus strand): 5'-CAGAGGATAGTGTTGGCCCAGTCTCTGTCAGGGTCCAACCCGGGTCTCTTTGCTCTGCAG[A>G]TGCCCTGATGCACCCACCGGCTTACCCACCACCCCCAGTGCCCACGCCCAGGAAGCCAGC-3'
Protein context (NP_001116153.1, residues 186-206): PDSPEPGRLE[Asp196Gly]ALMHPPAYPP

ClinVar aggregate classification (germline): Uncertain significance (1 of 4 stars; one submission).

Conditions:
Fibrous dysplasia of jaw (CRBM). Also called: Cherubism. Identifiers: Orphanet 184, MedGen C0008029, MONDO:0007315, OMIM 118400.

Submission:

Labcorp Genetics (formerly Invitae), Labcorp
Classification: Uncertain significance for Fibrous dysplasia of jaw. Last evaluated: 2022-07-19. Review status: criteria provided, single submitter. Criteria: Invitae Variant Classification Sherloc (09022015). Collection method: clinical testing. Allele origin: germline.
Comment: This sequence change replaces aspartic acid, which is acidic and polar, with glycine, which is neutral and non-polar, at codon 196 of the SH3BP2 protein (p.Asp196Gly). This variant is not present in population databases (gnomAD no frequency). This variant has not been reported in the literature in individuals affected with SH3BP2-related conditions. ClinVar contains an entry for this variant (Variation ID: 1448510). Algorithms developed to predict the effect of missense changes on protein structure and function are either unavailable or do not agree on the potential impact of this missense change (SIFT: "Deleterious"; PolyPhen-2: "Probably Damaging"; Align-GVGD: "Class C0"). Algorithms developed to predict the effect of sequence changes on RNA splicing suggest that this variant may create or strengthen a splice site. In summary, the available evidence is currently insufficient to determine the role of this variant in disease. Therefore, it has been classified as a Variant of Uncertain Significance.